The following is an entry in ClinVar:

NM_000085.5(CLCNKB):c.1830G>A (p.Trp610Ter)

Genes: CLCNKB (chloride voltage-gated channel Kb; plus strand), LOC106501713 (CLCNKB recombination region; plus strand). Cytogenetic location: 1p36.13.
Variant type: single nucleotide variant.
Coding change: c.1830G>A on transcript NM_000085.5 (MANE Select); coding-DNA position 1830, G replaced by A.
Protein change: p.Trp610Ter; replaces tryptophan 610 with a stop codon.
Molecular consequence: nonsense.
Genome position (GRCh38, 1-based): chr1:16,055,508, G>A. VCF-style: chr1-16055508-G-A. GRCh37 (hg19) VCF-style: chr1-16382003-G-A.
Other names: c.1323G>A, p.Trp441Ter (NM_001165945.2); short protein forms W610*, W441*.
Identifiers: ClinVar variation 7599 (VCV000007599.16), dbSNP rs121909136, ClinGen allele CA118917.
Genomic context (GRCh38, chr1:16,055,508, plus strand): 5'-GGTGGGCATAGTGCGAAGGGCCCAGCTGGTGCAGGCCCTGAAGGCTGAGCCTCCTTCCTG[G>A]GCTCCTGGACACCAGGTGGGTACTCCTGAGGGGCATGGGGATGGGGCGGGGGTGGGTCAG-3'

ClinVar aggregate classification (germline): Pathogenic. Review status: criteria provided, multiple submitters, no conflicts (2 of 4 stars). 8 submissions from 8 submitters: Pathogenic (7). 1 of the submissions does not count toward it. Last evaluated 2025-12-03.

Conditions:
CLCNKB-related disorders.
Bartter disease type 4B. Also called: BARTTER SYNDROME, TYPE 4B, NEONATAL, WITH SENSORINEURAL DEAFNESS; BARTTER SYNDROME, TYPE 4B; Bartter syndrome, type 4b, digenic. Identifiers: Orphanet 112, MedGen C4310805, MONDO:0000909, OMIM 613090.
Bartter disease type 3. Also called: Bartter syndrome type 3. Identifiers: Orphanet 112, Orphanet 93605, MedGen C1846343, MONDO:0011822, OMIM 607364.
Bartter syndrome, type 3, with hypocalciuria. Identifiers: MedGen C1846344.

Allele frequency attached by ClinVar (database versions not stated): gnomAD 0.00009; gnomAD exomes 0.00010 and 0.00017; ExAC 0.00017.
gnomAD v4.1: 162 of 1,612,542 alleles (0.01%); highest among the groups gnomAD compares: East Asian, 0.06%; no homozygotes.

Submissions (8):

Labcorp Genetics (formerly Invitae), Labcorp
Classification: Pathogenic. Last evaluated: 2025-12-03. Review status: criteria provided, single submitter. Criteria: Invitae Variant Classification Sherloc (09022015). Collection method: clinical testing. Allele origin: germline.
Comment: This sequence change creates a premature translational stop signal (p.Trp610*) in the CLCNKB gene. It is expected to result in an absent or disrupted protein product. Loss-of-function variants in CLCNKB are known to be pathogenic (PMID: 24830959, 26920127, 28381550, 29254190). This variant is present in population databases (rs121909136, gnomAD 0.3%). This premature translational stop signal has been observed in individuals with Bartter syndrome (PMID: 16902263, 17622951, 24965226). It has also been observed to segregate with disease in related individuals. ClinVar contains an entry for this variant (Variation ID: 7599). For these reasons, this variant has been classified as Pathogenic.

Variantyx, Inc.
Classification: Pathogenic for Bartter disease type 3. Last evaluated: 2025-10-21. Review status: criteria provided, single submitter. Criteria: Variantyx Assertion Criteria 2022. Collection method: clinical testing. Allele origin: germline. Inheritance: Autosomal recessive inheritance.
Comment: This is a nonsense variant in the CLCNKB gene (OMIM: 602023). Pathogenic variants in this gene have been associated with autosomal recessive Bartter syndrome, type 3. This variant introduces a premature termination codon in exon 17 out of 20 and is expected to result in loss of function, which is a known disease mechanism for CLCNKB in this disorder (PMID: 10906158, 17622951, 21865213) (PVS1). It is an established founder variant in the Japanese population (PMID: 15531551, 24965226) (PS4 and has a 0.0602% maximum allele frequency in non-founder control populations. Based on the current evidence, this variant is classified as pathogenic for autosomal recessive Bartter syndrome, type 3.

Blueprint Genetics
Classification: Pathogenic for CLCNKB-related disorders. Last evaluated: 2024-04-25. Review status: criteria provided, single submitter. Criteria: ACMG Guidelines, 2015. Collection method: clinical testing. Allele origin: germline. Affected: yes. Observed: 5 variant alleles.

3billion
Classification: Pathogenic for Bartter disease type 3. Last evaluated: 2023-09-21. Review status: criteria provided, single submitter. Criteria: ACMG Guidelines, 2015. Collection method: clinical testing. Allele origin: germline. Affected: yes.
Comment: The variant is observed at an extremely low frequency in the gnomAD v2.1.1 dataset (total allele frequency: 0.017%). Predicted Consequence/Location: Stop-gained (nonsense): predicted to result in a loss or disruption of normal protein function through nonsense-mediated decay (NMD) or protein truncation. Multiple pathogenic variants are reported downstream of the variant. The variant has been reported at least twice as pathogenic with clinical assertions and evidence for the classification (ClinVar ID: VCV000007599 /PMID: 15531551 /3billion dataset). Therefore, this variant is classified as Pathogenic according to the recommendation of ACMG/AMP guideline.

GeneDx
Classification: Pathogenic. Last evaluated: 2023-04-27. Review status: criteria provided, single submitter. Criteria: GeneDx Variant Classification Process June 2021. Collection method: clinical testing. Allele origin: germline. Affected: yes.
Comment: Published functional studies demonstrate W610X results in altered chloride channel kinetics (Stlting et al., 2015); Nonsense variant predicted to result in protein truncation or nonsense mediated decay in a gene for which loss-of-function is a known mechanism of disease; This variant is associated with the following publications: (PMID: 25525159, 26453302, 25606418, 20810575, 15531551, 24965226, 31980526, 26920127, 33348466, 29372472, 33095447, 28381550, 16902263, 15717167, 31345219)

Fulgent Genetics
Classification: Pathogenic for Bartter disease type 3; Bartter disease type 4B. Last evaluated: 2021-06-30. Review status: criteria provided, single submitter. Criteria: ACMG Guidelines, 2015. Collection method: clinical testing. Allele origin: unknown.
Comment: This variant has been detected in individual(s) who were sent for testing of Renasight - kidney gene panel.

Hadassah Hebrew University Medical Center
Classification: Pathogenic for Bartter disease type 4B. Review status: criteria provided, single submitter. Criteria: ACMG Guidelines, 2015. Collection method: research. Allele origin: germline. Affected: no. Observed: 2 variant alleles.

OMIM
Classification: Pathogenic for BARTTER SYNDROME, TYPE 3, WITH HYPOCALCIURIA. Last evaluated: 2004-11-01. Review status: no assertion criteria provided. Collection method: literature only. Allele origin: germline. Not counted in ClinVar's aggregate classification.

Literature cited by the submitters: PubMed 24830959 (cited by Labcorp Genetics (formerly Invitae), Labcorp); PubMed 26920127 (cited by Labcorp Genetics (formerly Invitae), Labcorp); PubMed 28381550 (cited by Labcorp Genetics (formerly Invitae), Labcorp); PubMed 29254190 (cited by Labcorp Genetics (formerly Invitae), Labcorp); PubMed 16902263 (cited by Labcorp Genetics (formerly Invitae), Labcorp); PubMed 17622951 (cited by Labcorp Genetics (formerly Invitae), Labcorp); PubMed 24965226 (cited by Labcorp Genetics (formerly Invitae), Labcorp and Variantyx, Inc.); PubMed 1090615 (cited by Variantyx, Inc.); PubMed 7622951 (cited by Variantyx, Inc.); PubMed 21865213 (cited by Variantyx, Inc.); PubMed 15531551 (cited by 3 submitters).